The following is an entry in ClinVar:

ClinVar aggregate classification (germline): Uncertain significance (1 of 4 stars; one submission).

gnomAD v4.1: 6 of 1,607,580 alleles (0.00037%); highest among the groups gnomAD compares: Non-Finnish European, 0.00051%; no homozygotes.

Submission:

GeneDx
Classification: Uncertain significance. Last evaluated: 2025-06-09. Review status: criteria provided, single submitter. Criteria: GeneDx Variant Classification Process June 2021. Collection method: clinical testing. Allele origin: germline. Affected: yes.
Comment: Not observed at significant frequency in large population cohorts (gnomAD); In silico analysis suggests that this missense variant does not alter protein structure/function; Has not been previously published as pathogenic or benign to our knowledge

NM_000238.4(KCNH2):c.2902C>T (p.Pro968Ser)

Gene: KCNH2 (potassium voltage-gated channel subfamily H member 2; minus strand). Cytogenetic location: 7q36.1.
Variant type: single nucleotide variant.
Coding change: c.2902C>T on transcript NM_000238.4 (MANE Select); coding-DNA position 2902, C replaced by T.
Protein change: p.Pro968Ser; replaces proline 968 with serine.
Molecular consequence: missense variant. On other transcripts: non-coding transcript variant (2).
Genome position (GRCh38, 1-based): chr7:150,947,669, G>A on the plus strand (C>T on the coding strand, the complement: KCNH2 is on the minus strand). VCF-style: chr7-150947669-G-A. GRCh37 (hg19) VCF-style: chr7-150644757-G-A.
Other names: c.2614C>T, p.Pro872Ser (NM_001406753.1); c.1882C>T, p.Pro628Ser (NM_172057.3); short protein forms P628S, P872S, P968S.
Identifiers: ClinVar variation 4538086 (VCV004538086.1).